The following is an entry in ClinVar:

ClinVar aggregate classification (germline): Likely benign. Review status: criteria provided, multiple submitters, no conflicts (2 of 4 stars). 4 submissions from 4 submitters: Likely benign (2). 2 of the submissions do not count toward it. Last evaluated 2026-08-01.

Allele frequency attached by ClinVar (database versions not stated): ExAC 0.00050; gnomAD exomes 0.00055 and 0.00083; gnomAD 0.00067 and 0.00074; TOPMed 0.00068; ESP Exome Variant Server 0.00077.
gnomAD v4.1: 1,308 of 1,614,080 alleles (0.081%); highest among the groups gnomAD compares: Non-Finnish European, 0.1%; 3 homozygotes.

Submissions (4):

CeGaT Center for Human Genetics Tuebingen
Classification: Likely benign. Last evaluated: 2026-08-01. Review status: criteria provided, single submitter. Criteria: CeGaT Center For Human Genetics Tuebingen Variant Classification Criteria Version 2. Collection method: clinical testing. Allele origin: germline. Affected: yes. Observed: 2 variant alleles.
Comment: MAB21L2: BP4

Labcorp Genetics (formerly Invitae), Labcorp
Classification: Likely benign. Last evaluated: 2025-12-13. Review status: criteria provided, single submitter. Criteria: Invitae Variant Classification Sherloc (09022015). Collection method: clinical testing. Allele origin: germline.

Clinical Genetics DNA and cytogenetics Diagnostics Lab, Erasmus MC, Erasmus Medical Center
Classification: Likely benign. Review status: no assertion criteria provided. Collection method: clinical testing. Allele origin: germline. Affected: yes. Study: VKGL Data-share Consensus. Not counted in ClinVar's aggregate classification.

Genome Diagnostics Laboratory, University Medical Center Utrecht
Classification: Likely benign. Review status: no assertion criteria provided. Collection method: clinical testing. Allele origin: germline. Affected: yes. Study: VKGL Data-share Consensus. Not counted in ClinVar's aggregate classification.

NM_006439.5(MAB21L2):c.954C>T (p.His318=)

Genes: LRBA (LPS responsive beige-like anchor protein; minus strand), MAB21L2 (mab-21 like 2; plus strand). Cytogenetic location: 4q31.3.
Variant type: single nucleotide variant.
Coding change: c.954C>T on transcript NM_006439.5 (MANE Select); coding-DNA position 954, C replaced by T.
Protein change: p.His318=; no amino-acid change (histidine 318 retained).
Molecular consequence: synonymous variant. On other transcripts: intron variant (6).
Genome position (GRCh38, 1-based): chr4:150,583,983, C>T. VCF-style: chr4-150583983-C-T. GRCh37 (hg19) VCF-style: chr4-151505135-C-T.
Other names: c.6330+4065G>A (NM_001367550.1, NM_001199282.3, NM_001364905.1 and 1 more transcripts); c.6363+4065G>A (NM_006726.5, NM_001440430.1).
Identifiers: ClinVar variation 707229 (VCV000707229.31), dbSNP rs201523389, ClinGen allele CA3102127.